The following is an entry in ClinVar:

NM_001211.6(BUB1B):c.2029C>G (p.Arg677Gly)

Gene: BUB1B (BUB1 mitotic checkpoint serine/threonine kinase B; plus strand). Cytogenetic location: 15q15.1.
Variant type: single nucleotide variant.
Coding change: c.2029C>G on transcript NM_001211.6 (MANE Select); coding-DNA position 2029, C replaced by G.
Protein change: p.Arg677Gly; replaces arginine 677 with glycine.
Molecular consequence: missense variant.
Genome position (GRCh38, 1-based): chr15:40,208,656, C>G. VCF-style: chr15-40208656-C-G. GRCh37 (hg19) VCF-style: chr15-40500857-C-G.
Other names: short protein forms R677G.
Identifiers: ClinVar variation 3826078 (VCV003826078.1).

ClinVar aggregate classification (germline): Uncertain significance (1 of 4 stars; one submission).

Conditions:
Inborn genetic diseases. Identifiers: MedGen C0950123, MeSH D030342.

gnomAD v4.1: 1 of 1,613,744 alleles (0.000062%); highest among the groups gnomAD compares: South Asian, 0.0011%; no homozygotes.

Submission:

Ambry Genetics
Classification: Uncertain significance for Inborn genetic diseases. Last evaluated: 2024-12-22. Review status: criteria provided, single submitter. Criteria: Ambry Variant Classification Scheme 2023. Collection method: clinical testing. Allele origin: germline.
Comment: The p.R677G variant (also known as c.2029C>G), located in coding exon 16 of the BUB1B gene, results from a C to G substitution at nucleotide position 2029. The arginine at codon 677 is replaced by glycine, an amino acid with dissimilar properties. This amino acid position is conserved. In addition, this alteration is predicted to be tolerated by in silico analysis. Based on the available evidence, the clinical significance of this variant remains unclear.